The following is an entry in ClinVar:

NM_199420.4(POLQ):c.1907A>C (p.Gln636Pro)

Gene: POLQ (DNA polymerase theta; minus strand). Cytogenetic location: 3q13.33.
Variant type: single nucleotide variant.
Coding change: c.1907A>C on transcript NM_199420.4 (MANE Select); coding-DNA position 1907, A replaced by C.
Protein change: p.Gln636Pro; replaces glutamine 636 with proline.
Molecular consequence: missense variant.
Genome position (GRCh38, 1-based): chr3:121,509,613, T>G on the plus strand (A>C on the coding strand, the complement: POLQ is on the minus strand). VCF-style: chr3-121509613-T-G. GRCh37 (hg19) VCF-style: chr3-121228460-T-G.
Other names: short protein forms Q636P.
Identifiers: ClinVar variation 1782406 (VCV001782406.2), dbSNP rs2546802004, ClinGen allele CA354113488.
Genomic context (GRCh38, chr3:121,509,613, plus strand): 5'-GAACTTACCAGATAGAGAATATGAAGATCATTCTCTAAAACAAAGCCCTTCATTGCTCTT[T>G]GCAGGTCAGCAAAAATATCTAAAGTATCAGCTGGAGAAAGTGAAGAAGAAAGAGTGGCCG-3'
Protein context (NP_955452.3, residues 626-646): ADTLDIFADL[Gln636Pro]RAMKGFVLEN

ClinVar aggregate classification (germline): Uncertain significance (1 of 4 stars; one submission).

Submission:

Ambry Genetics
Classification: Uncertain significance. Last evaluated: 2022-10-27. Review status: criteria provided, single submitter. Criteria: Ambry Variant Classification Scheme 2023. Collection method: clinical testing. Allele origin: germline.
Comment: The p.Q636P variant (also known as c.1907A>C), located in coding exon 12 of the POLQ gene, results from an A to C substitution at nucleotide position 1907. The glutamine at codon 636 is replaced by proline, an amino acid with similar properties. This amino acid position is conserved. In addition, the in silico prediction for this alteration is inconclusive. Since supporting evidence is limited at this time, the clinical significance of this alteration remains unclear.